The following is an entry in ClinVar:

NM_017827.4(SARS2):c.267+308A>G

Gene: SARS2 (seryl-tRNA synthetase 2, mitochondrial; minus strand). Cytogenetic location: 19q13.2.
Variant type: single nucleotide variant.
Coding change: c.267+308A>G on transcript NM_017827.4 (MANE Select); 308 bases into the intron after coding-DNA position 267, A replaced by G.
Molecular consequence: intron variant.
Genome position (GRCh38, 1-based): chr19:38,930,162, T>C on the plus strand (A>G on the coding strand, the complement: SARS2 is on the minus strand). VCF-style: chr19-38930162-T-C. GRCh37 (hg19) VCF-style: chr19-39420802-T-C.
Other names: c.267+308A>G (NM_001145901.2).
Identifiers: ClinVar variation 671596 (VCV000671596.2), dbSNP rs7260466, ClinGen allele CA14660913.

ClinVar aggregate classification (germline): Benign. Review status: criteria provided, multiple submitters, no conflicts (2 of 4 stars). 2 submissions from 2 submitters: Benign (2). Last evaluated 2018-06-14.

Allele frequency attached by ClinVar (database versions not stated): TOPMed 0.14190; gnomAD 0.14652 and 0.15107; gnomAD exomes 0.16930; 1000 Genomes Project 30x 0.18457; 1000 Genomes Project 0.19050.
gnomAD v4.1: 56,840 of 353,384 alleles (16%); highest among the groups gnomAD compares: East Asian, 30%; 5,317 homozygotes.

Submissions (2):

GeneDx
Classification: Benign. Last evaluated: 2018-06-14. Review status: criteria provided, single submitter. Criteria: GeneDx Variant Classification (06012015). Collection method: clinical testing. Allele origin: germline. Affected: yes.
Comment: This variant is considered likely benign or benign based on one or more of the following criteria: it is a conservative change, it occurs at a poorly conserved position in the protein, it is predicted to be benign by multiple in silico algorithms, and/or has population frequency not consistent with disease.

Breakthrough Genomics
Classification: Benign. Review status: criteria provided, single submitter. Criteria: ACMG Guidelines, 2015. Collection method: not provided. Allele origin: germline. Inheritance: Autosomal recessive inheritance. Affected: yes.